The following is an entry in ClinVar:

ClinVar aggregate classification (germline): Uncertain significance (1 of 4 stars; one submission).

gnomAD v4.1: 5 of 1,608,818 alleles (0.00031%); highest among the groups gnomAD compares: East Asian, 0.0067%; no homozygotes.

Submission:

Labcorp Genetics (formerly Invitae), Labcorp
Classification: Uncertain significance. Last evaluated: 2025-11-04. Review status: criteria provided, single submitter. Criteria: Invitae Variant Classification Sherloc (09022015). Collection method: clinical testing. Allele origin: germline.
Comment: This sequence change replaces arginine, which is basic and polar, with cysteine, which is neutral and slightly polar, at codon 682 of the MCM5 protein (p.Arg682Cys). The frequency data for this variant in the population databases is considered unreliable, as metrics indicate poor data quality at this position in the gnomAD database. This variant has not been reported in the literature in individuals affected with MCM5-related conditions. Invitae Evidence Modeling of protein sequence and biophysical properties (such as structural, functional, and spatial information, amino acid conservation, physicochemical variation, residue mobility, and thermodynamic stability) indicates that this missense variant is expected to disrupt MCM5 protein function with a positive predictive value of 80%. In summary, the available evidence is currently insufficient to determine the role of this variant in disease. Therefore, it has been classified as a Variant of Uncertain Significance.

NM_006739.4(MCM5):c.2044C>T (p.Arg682Cys)

Gene: MCM5 (minichromosome maintenance complex component 5; plus strand). Cytogenetic location: 22q12.3.
Variant type: single nucleotide variant.
Coding change: c.2044C>T on transcript NM_006739.4 (MANE Select); coding-DNA position 2044, C replaced by T.
Protein change: p.Arg682Cys; replaces arginine 682 with cysteine.
Molecular consequence: missense variant.
Genome position (GRCh38, 1-based): chr22:35,423,282, C>T. VCF-style: chr22-35423282-C-T. GRCh37 (hg19) VCF-style: chr22-35819275-C-T.
Other names: short protein forms R682C.
Identifiers: ClinVar variation 4775468 (VCV004775468.1).